The following is an entry in ClinVar:

NM_020975.6(RET):c.3268T>C (p.Tyr1090His)

Gene: RET (ret proto-oncogene; plus strand). Cytogenetic location: 10q11.21.
Variant type: single nucleotide variant.
Coding change: c.3268T>C on transcript NM_020975.6 (MANE Select); coding-DNA position 3268, T replaced by C.
Protein change: p.Tyr1090His; replaces tyrosine 1090 with histidine.
Molecular consequence: missense variant. On other transcripts: 3 prime UTR variant (18), intron variant (3).
Genome position (GRCh38, 1-based): chr10:43,128,192, T>C. VCF-style: chr10-43128192-T-C. GRCh37 (hg19) VCF-style: chr10-43623640-T-C.
Other names: c.*1438T>C (NM_001355216.2, NM_001406764.1, NM_001406765.1 and 15 more transcripts); c.3268T>C, p.Tyr1090His (NM_001406743.1); c.3208T>C, p.Tyr1070His (NM_001406759.1, NM_001406760.1); c.3139T>C, p.Tyr1047His (NM_001406761.1, NM_001406762.1); c.3133T>C, p.Tyr1045His (NM_001406763.1); c.2980T>C, p.Tyr994His (NM_001406766.1, NM_001406767.1); c.2872T>C, p.Tyr958His (NM_001406769.1); c.2830T>C, p.Tyr944His (NM_001406771.1); and 10 more; short protein forms Y1045H, Y1047H, Y1070H, Y1090H, Y587H, Y607H, Y695H, Y748H.
Identifiers: ClinVar variation 3387609 (VCV003387609.1).
Genomic context (GRCh38, chr10:43,128,192, plus strand): 5'-CCTGGAGAGAGTCCTGTACCACTCACGAGAGCTGATGGCACTAACACTGGGTTTCCAAGA[T>C]ATCCAAATGATAGTGTATATGCTAACTGGATGCTTTCACCCTCAGCGGCAAAATTAATGG-3'
Protein context (NP_066124.1, residues 1080-1100): ADGTNTGFPR[Tyr1090His]PNDSVYANWM

ClinVar aggregate classification (germline): Uncertain significance (1 of 4 stars; one submission).

Conditions:
Multiple endocrine neoplasia, type 2 (MEN2). Identifiers: Orphanet 653, MedGen C4048306, MONDO:0019003. Disease mechanism: gain of function.

gnomAD v4.1: 1 of 1,614,090 alleles (0.000062%); highest among the groups gnomAD compares: Non-Finnish European, 0.000085%; no homozygotes.

Submission:

All of Us Research Program, National Institutes of Health
Classification: Uncertain significance for Multiple endocrine neoplasia, type 2. Last evaluated: 2024-09-23. Review status: criteria provided, single submitter. Criteria: ACMG Guidelines, 2015. Collection method: clinical testing. Allele origin: germline. Inheritance: Autosomal dominant inheritance. Observed: 1 variant allele, 1 heterozygote.
Comment: This study involves interpretation of variants in research participants for the purpose of population health screening. Participant phenotype was not available at the time of variant classification. Additional details can be found in publication PMID: 35346344, PMCID: PMC8962531